The following is an entry in ClinVar:

ClinVar aggregate classification (germline): Uncertain significance. Review status: criteria provided, multiple submitters, no conflicts (2 of 4 stars). 2 submissions from 2 submitters: Uncertain significance (2). Last evaluated 2025-12-15.

Conditions:
Inborn genetic diseases. Identifiers: MedGen C0950123, MeSH D030342.

Submissions (2):

Ambry Genetics
Classification: Uncertain significance for Inborn genetic diseases. Last evaluated: 2025-12-15. Review status: criteria provided, single submitter. Criteria: Ambry Variant Classification Scheme 2023. Collection method: clinical testing. Allele origin: germline.

Labcorp Genetics (formerly Invitae), Labcorp
Classification: Uncertain significance. Last evaluated: 2025-10-13. Review status: criteria provided, single submitter. Criteria: Invitae Variant Classification Sherloc (09022015). Collection method: clinical testing. Allele origin: germline.
Comment: This sequence change replaces leucine, which is neutral and non-polar, with arginine, which is basic and polar, at codon 139 of the DFNA5 protein (p.Leu139Arg). This variant is not present in population databases (gnomAD no frequency). This variant has not been reported in the literature in individuals affected with DFNA5-related conditions. ClinVar contains an entry for this variant (Variation ID: 2856902). Invitae Evidence Modeling of protein sequence and biophysical properties (such as structural, functional, and spatial information, amino acid conservation, physicochemical variation, residue mobility, and thermodynamic stability) indicates that this missense variant is not expected to disrupt DFNA5 protein function with a negative predictive value of 80%. In summary, the available evidence is currently insufficient to determine the role of this variant in disease. Therefore, it has been classified as a Variant of Uncertain Significance.

NM_001127453.2(GSDME):c.416T>G (p.Leu139Arg)

Gene: GSDME (gasdermin E; minus strand). Cytogenetic location: 7p15.3.
Variant type: single nucleotide variant.
Coding change: c.416T>G on transcript NM_001127453.2 (MANE Select); coding-DNA position 416, T replaced by G.
Protein change: p.Leu139Arg; replaces leucine 139 with arginine.
Molecular consequence: missense variant. On other transcripts: 5 prime UTR variant (1).
Genome position (GRCh38, 1-based): chr7:24,719,207, A>C on the plus strand (T>G on the coding strand, the complement: GSDME is on the minus strand). VCF-style: chr7-24719207-A-C. GRCh37 (hg19) VCF-style: chr7-24758826-A-C.
Other names: c.-77T>G (NM_001127454.2); c.416T>G, p.Leu139Arg (NM_004403.3); c.416T>G (NM_004403.2); short protein forms L139R.
Identifiers: ClinVar variation 2856902 (VCV002856902.4), dbSNP rs2535012424, ClinGen allele CA367048470.